The following is an entry in ClinVar:

NM_000038.6(APC):c.6645G>C (p.Gln2215His)

Gene: APC (APC regulator of Wnt signaling pathway; plus strand). Cytogenetic location: 5q22.2.
Variant type: single nucleotide variant.
Coding change: c.6645G>C on transcript NM_000038.6 (MANE Select); coding-DNA position 6645, G replaced by C.
Protein change: p.Gln2215His; replaces glutamine 2215 with histidine.
Molecular consequence: missense variant.
Genome position (GRCh38, 1-based): chr5:112,842,239, G>C. VCF-style: chr5-112842239-G-C. GRCh37 (hg19) VCF-style: chr5-112177936-G-C.
Other names: c.6645G>C, p.Gln2215His (NM_001127510.3, NM_001354895.2); c.6591G>C, p.Gln2197His (NM_001127511.3); c.6699G>C, p.Gln2233His (NM_001354896.2); c.6675G>C, p.Gln2225His (NM_001354897.2); c.6570G>C, p.Gln2190His (NM_001354898.2); c.6561G>C, p.Gln2187His (NM_001354899.2); c.6522G>C, p.Gln2174His (NM_001354900.2); c.6468G>C, p.Gln2156His (NM_001354901.2); and 5 more; short protein forms Q1932H, Q2055H, Q2089H, Q2114H, Q2124H, Q2156H, Q2174H, Q2187H.
Identifiers: ClinVar variation 1058910 (VCV001058910.10), dbSNP rs951673309, ClinGen allele CA16035868.

ClinVar aggregate classification (germline): Uncertain significance (1 of 4 stars; one submission).

Conditions:
Familial adenomatous polyposis 1 (FAP1). Also called: FAMILIAL ADENOMATOUS POLYPOSIS 1, ATTENUATED; POLYPOSIS, ADENOMATOUS INTESTINAL. Identifiers: MedGen C2713442, MONDO:0021056, OMIM 175100. Disease mechanism: loss of function.

Submission:

Labcorp Genetics (formerly Invitae), Labcorp
Classification: Uncertain significance for Familial adenomatous polyposis 1. Last evaluated: 2020-10-14. Review status: criteria provided, single submitter. Criteria: Invitae Variant Classification Sherloc (09022015). Collection method: clinical testing. Allele origin: germline.
Comment: In summary, the available evidence is currently insufficient to determine the role of this variant in disease. Therefore, it has been classified as a Variant of Uncertain Significance. Algorithms developed to predict the effect of missense changes on protein structure and function are either unavailable or do not agree on the potential impact of this missense change (SIFT: "Deleterious"; PolyPhen-2: "Benign"; Align-GVGD: "Class C0"). This variant has not been reported in the literature in individuals with APC-related conditions. This variant is not present in population databases (ExAC no frequency). This sequence change replaces glutamine with histidine at codon 2215 of the APC protein (p.Gln2215His). The glutamine residue is highly conserved and there is a small physicochemical difference between glutamine and histidine.